The following is an entry in ClinVar:

GRCh38/hg38 13q12.13(chr13:25567155-25574530)x0

Gene: ATP8A2 (ATPase phospholipid transporting 8A2). Cytogenetic location: 13q12.13.
Variant type: copy number loss.
Change: copy number 0 (both copies lost) of chr13:25,567,155-25,574,530 (7.4 kb, GRCh38 coordinates, 1-based), cytogenetic band 13q12.13.
Identifiers: ClinVar variation 2579236 (VCV002579236.1).

ClinVar aggregate classification (germline): Uncertain significance (1 of 4 stars; one submission).

Conditions:
Cerebellar ataxia, impaired intellectual development, and dysequilibrium syndrome 4. Also called: CEREBELLAR ATAXIA AND MENTAL RETARDATION WITH OR WITHOUT QUADRUPEDAL LOCOMOTION 4; Cerebellar ataxia, mental retardation, and dysequilibrium syndrome 4; Cerebellar ataxia, intellectual disability, and dysequilibrium syndrome 4. Identifiers: Orphanet 1766, MedGen C3808977, MONDO:0014104, OMIM 615268.

Submission:

Broad Center for Mendelian Genomics, Broad Institute of MIT and Harvard
Classification: Uncertain significance for Cerebellar ataxia, impaired intellectual development, and dysequilibrium syndrome 4. Last evaluated: 2023-08-24. Review status: criteria provided, single submitter. Criteria: ACMG/ClinGen CNV Guidelines, 2019. Collection method: research. Allele origin: unknown. Inheritance: Autosomal recessive inheritance. Affected: yes.
Comment: Inheritance information is unavailable. The patient phenotype is nonspecific, but is consistent with cases described in the literature and/or published databases with overlapping variants. This exon deletion has also been reported in the literature, in the homozygous state, in two siblings with hypotonia, impaired gross and fine motor development, and inability to speak (PMID: 30012219). This variant is a deletion of 2 exons and is not predicted to alter the protein reading-frame. It is unclear if this deletion will impact the protein. While there is some evidence to suggest that loss of function of the ATP8A2 gene is a disease mechanism in autosomal recessive cerebellar ataxia, intellectual disability, and disequilibrium syndrome, this association is not yet strongly established based on the criteria laid out in Tayoun, 2018 (PMID: 30192042). In summary, while there is some suspicion for a pathogenic role, the clinical significance of this variant is uncertain. The ACMG/ClinGen evidence codes and points used in this curation are as follows: 1: 0 points, 2: 0.3 points, 3: 0 points, 4-5: 0.3 points; Total: 0.6 points; Riggs 2020 (PMID: 31690835).

Literature cited by the submitters: PubMed 30012219.